The following is an entry in ClinVar:

NM_015909.4(NBAS):c.7022C>T (p.Ala2341Val)

Gene: NBAS (NBAS subunit of NRZ tethering complex; minus strand). Cytogenetic location: 2p24.3.
Variant type: single nucleotide variant.
Coding change: c.7022C>T on transcript NM_015909.4 (MANE Select); coding-DNA position 7022, C replaced by T.
Protein change: p.Ala2341Val; replaces alanine 2341 with valine.
Molecular consequence: missense variant. On other transcripts: non-coding transcript variant (1).
Genome position (GRCh38, 1-based): chr2:15,167,142, G>A on the plus strand (C>T on the coding strand, the complement: NBAS is on the minus strand). VCF-style: chr2-15167142-G-A. GRCh37 (hg19) VCF-style: chr2-15307266-G-A.
Other names: c.7022C>T (NM_015909.2); short protein forms A2341V.
Identifiers: ClinVar variation 1380809 (VCV001380809.7), dbSNP rs749416685, ClinGen allele CA1534787.

ClinVar aggregate classification (germline): Uncertain significance. Review status: criteria provided, multiple submitters, no conflicts (2 of 4 stars). 3 submissions from 3 submitters: Uncertain significance (2). 1 of the submissions does not count toward it. Last evaluated 2025-03-06.

Conditions:
Inborn genetic diseases. Identifiers: MedGen C0950123, MeSH D030342.
Optic atrophy. Identifiers: MedGen C0029124, MONDO:0003608, HP:0000648.

Allele frequency attached by ClinVar (database versions not stated): ExAC 0.00002; gnomAD exomes 0.00002 and 0.00003; gnomAD 0.00003 and 0.00004; TOPMed 0.00003.
gnomAD v4.1: 46 of 1,614,148 alleles (0.0028%); highest among the groups gnomAD compares: Non-Finnish European, 0.0037%; no homozygotes.

Submissions (3):

Ambry Genetics
Classification: Uncertain significance for Inborn genetic diseases. Last evaluated: 2025-03-06. Review status: criteria provided, single submitter. Criteria: Ambry Variant Classification Scheme 2023. Collection method: clinical testing. Allele origin: germline.

Labcorp Genetics (formerly Invitae), Labcorp
Classification: Uncertain significance. Last evaluated: 2022-09-13. Review status: criteria provided, single submitter. Criteria: Invitae Variant Classification Sherloc (09022015). Collection method: clinical testing. Allele origin: germline.
Comment: This sequence change replaces alanine, which is neutral and non-polar, with valine, which is neutral and non-polar, at codon 2341 of the NBAS protein (p.Ala2341Val). This variant is present in population databases (rs749416685, gnomAD 0.004%). This variant has not been reported in the literature in individuals affected with NBAS-related conditions. ClinVar contains an entry for this variant (Variation ID: 1380809). Advanced modeling of protein sequence and biophysical properties (such as structural, functional, and spatial information, amino acid conservation, physicochemical variation, residue mobility, and thermodynamic stability) performed at Invitae indicates that this missense variant is not expected to disrupt NBAS protein function. In summary, the available evidence is currently insufficient to determine the role of this variant in disease. Therefore, it has been classified as a Variant of Uncertain Significance.

Institute of Human Genetics, Univ. Regensburg, Univ. Regensburg
Classification: Uncertain significance for Optic atrophy. Last evaluated: 2022-01-01. Review status: no assertion criteria provided. Criteria: ACMG Guidelines, 2015. Collection method: clinical testing. Allele origin: germline. Affected: yes. Not counted in ClinVar's aggregate classification.